The following is an entry in ClinVar:

NM_015443.4(KANSL1):c.3030G>A (p.Pro1010=)

Gene: KANSL1 (KAT8 regulatory NSL complex subunit 1). Cytogenetic location: 17q21.31.
Variant type: single nucleotide variant.
Coding change: c.3030G>A on transcript NM_015443.4 (MANE Select); coding-DNA position 3030, G replaced by A.
Protein change: p.Pro1010=; no amino-acid change (proline 1010 retained).
Molecular consequence: synonymous variant.
Genome position (GRCh38, 1-based): chr17:46,032,107, C>T on the plus strand (G>A on the coding strand, the complement: KANSL1 is on the minus strand). VCF-style: chr17-46032107-C-T. GRCh37 (hg19) VCF-style: chr17-44109473-C-T.
Other names: c.3027G>A, p.Pro1009= (NM_001193465.2); c.3030G>A, p.Pro1010= (NM_001193466.2, NM_001379198.1).
Identifiers: ClinVar variation 387872 (VCV000387872.11), dbSNP rs748843892, ClinGen allele CA8618397.

ClinVar aggregate classification (germline): Likely benign. Review status: criteria provided, multiple submitters, no conflicts (2 of 4 stars). 3 submissions from 3 submitters: Likely benign (3). Last evaluated 2025-07-21.

Conditions:
Koolen-de Vries syndrome (KDVS). Identifiers: Orphanet 96169, MedGen C1864871, MONDO:0012496, OMIM 610443.

Allele frequency attached by ClinVar (database versions not stated): TOPMed below 0.00001; gnomAD 0.00001; ExAC 0.00002; gnomAD exomes 0.00002 and 0.00003.
gnomAD v4.1: 51 of 1,613,948 alleles (0.0032%); highest among the groups gnomAD compares: East Asian, 0.089%; no homozygotes.

Submissions (3):

Labcorp Genetics (formerly Invitae), Labcorp
Classification: Likely benign for Koolen-de Vries syndrome. Last evaluated: 2025-07-21. Review status: criteria provided, single submitter. Criteria: Invitae Variant Classification Sherloc (09022015). Collection method: clinical testing. Allele origin: germline.

Blueprint Genetics
Classification: Likely benign. Last evaluated: 2022-10-27. Review status: criteria provided, single submitter. Criteria: ACMG Guidelines, 2015. Collection method: clinical testing. Allele origin: germline.

GeneDx
Classification: Likely benign. Last evaluated: 2016-07-20. Review status: criteria provided, single submitter. Criteria: GeneDx Variant Classification (06012015). Collection method: clinical testing. Allele origin: germline. Affected: yes.
Comment: This variant is considered likely benign or benign based on one or more of the following criteria: it is a conservative change, it occurs at a poorly conserved position in the protein, it is predicted to be benign by multiple in silico algorithms, and/or has population frequency not consistent with disease.